The following is an entry in ClinVar:

ClinVar aggregate classification (germline): Uncertain significance. Review status: criteria provided, multiple submitters, no conflicts (2 of 4 stars). 2 submissions from 2 submitters: Uncertain significance (2). Last evaluated 2024-12-21.

Conditions:
Inborn genetic diseases. Identifiers: MedGen C0950123, MeSH D030342.
SPEN-related disorder. Also called: SPEN-related condition.

Allele frequency attached by ClinVar (database versions not stated): gnomAD exomes 0.00001; ExAC 0.00002.
gnomAD v4.1: 7 of 1,614,124 alleles (0.00043%); highest among the groups gnomAD compares: Middle Eastern, 0.016%; no homozygotes.

Submissions (2):

PreventionGenetics, part of Exact Sciences
Classification: Uncertain significance for SPEN-related condition. Last evaluated: 2024-12-21. Review status: criteria provided, single submitter. Criteria: ACMG Guidelines, 2015. Collection method: clinical testing. Allele origin: germline.
Comment: The SPEN c.9391G>A variant is predicted to result in the amino acid substitution p.Val3131Ile. To our knowledge, this variant has not been reported in the literature. This variant is reported in 0.0018% of alleles in individuals of European (Non-Finnish) descent in gnomAD. At this time, the clinical significance of this variant is uncertain due to the absence of conclusive functional and genetic evidence.

Ambry Genetics
Classification: Uncertain significance for Inborn genetic diseases. Last evaluated: 2023-08-04. Review status: criteria provided, single submitter. Criteria: Ambry Variant Classification Scheme 2023. Collection method: clinical testing. Allele origin: germline.

NM_015001.3(SPEN):c.9391G>A (p.Val3131Ile)

Gene: SPEN (spen family transcriptional repressor; plus strand). Cytogenetic location: 1p36.13.
Variant type: single nucleotide variant.
Coding change: c.9391G>A on transcript NM_015001.3 (MANE Select); coding-DNA position 9391, G replaced by A.
Protein change: p.Val3131Ile; replaces valine 3131 with isoleucine.
Molecular consequence: missense variant.
Genome position (GRCh38, 1-based): chr1:15,935,631, G>A. VCF-style: chr1-15935631-G-A. GRCh37 (hg19) VCF-style: chr1-16262126-G-A.
Other names: short protein forms V3131I.
Identifiers: ClinVar variation 2616202 (VCV002616202.3), dbSNP rs745968976, ClinGen allele CA620479.